The following is an entry in ClinVar:

NM_001040108.2(MLH3):c.386C>G (p.Ala129Gly)

Gene: MLH3 (mutL homolog 3; minus strand). Cytogenetic location: 14q24.3.
Variant type: single nucleotide variant.
Coding change: c.386C>G on transcript NM_001040108.2 (MANE Select); coding-DNA position 386, C replaced by G.
Protein change: p.Ala129Gly; replaces alanine 129 with glycine.
Molecular consequence: missense variant.
Genome position (GRCh38, 1-based): chr14:75,049,270, G>C on the plus strand (C>G on the coding strand, the complement: MLH3 is on the minus strand). VCF-style: chr14-75049270-G-C. GRCh37 (hg19) VCF-style: chr14-75515973-G-C.
Other names: c.386C>G, p.Ala129Gly (NM_014381.3); short protein forms A129G.
Identifiers: ClinVar variation 4844639 (VCV004844639.1).
Genomic context (GRCh38, chr14:75,049,270, plus strand): 5'-TACACTGTTACAGTAGTCCCAGCGCTTGCTCTAGTCACATCAGCTTCACAAGCTTTCAGG[G>C]CTTTTCCACTCTGAAACAGTTTCACAAAAGTTTTCATTGTCCTGTTTTTCTTGGACGAAA-3'
Protein context (NP_001035197.1, residues 119-139): TFVKLFQSGK[Ala129Gly]LKACEADVTR

ClinVar aggregate classification (germline): Uncertain significance (1 of 4 stars; one submission).

Submission:

Ambry Genetics
Classification: Uncertain significance. Last evaluated: 2026-02-23. Review status: criteria provided, single submitter. Criteria: Ambry Variant Classification Scheme 2023. Collection method: clinical testing. Allele origin: germline.
Comment: The p.A129G variant (also known as c.386C>G), located in coding exon 1 of the MLH3 gene, results from a C to G substitution at nucleotide position 386. The alanine at codon 129 is replaced by glycine, an amino acid with similar properties. This amino acid position is not well conserved in available vertebrate species. In addition, this alteration is predicted to be tolerated by in silico analysis. The evidence for this gene-disease relationship is limited; therefore, the clinical significance of this variant is unclear.